The following is an entry in ClinVar:

NM_001006630.2(CHRM2):c.703C>A (p.Leu235Met)

Genes: CHRM2 (cholinergic receptor muscarinic 2; plus strand), LOC349160 (uncharacterized LOC349160; minus strand). Cytogenetic location: 7q33.
Variant type: single nucleotide variant.
Coding change: c.703C>A on transcript NM_001006630.2 (MANE Select); coding-DNA position 703, C replaced by A.
Protein change: p.Leu235Met; replaces leucine 235 with methionine.
Molecular consequence: missense variant.
Genome position (GRCh38, 1-based): chr7:137,015,568, C>A. VCF-style: chr7-137015568-C-A. GRCh37 (hg19) VCF-style: chr7-136700315-C-A.
Other names: c.703C>A, p.Leu235Met (NM_000739.3, NM_001006626.3, NM_001006627.3 and 6 more transcripts); short protein forms L235M.
Identifiers: ClinVar variation 422877 (VCV000422877.18), dbSNP rs138886480, ClinGen allele CA4500562.
Genomic context (GRCh38, chr7:137,015,568, plus strand): 5'-AGCAGGATAAAGAAGGACAAGAAGGAGCCTGTTGCCAACCAAGACCCCGTTTCTCCAAGT[C>A]TGGTACAAGGAAGGATAGTGAAGCCAAACAATAACAACATGCCCAGCAGTGACGATGGCC-3'
Protein context (NP_001006631.1, residues 225-245): VANQDPVSPS[Leu235Met]VQGRIVKPNN

ClinVar aggregate classification (germline): Likely benign. Review status: criteria provided, multiple submitters, no conflicts (2 of 4 stars). 4 submissions from 4 submitters: Likely benign (4). Last evaluated 2025-12-09.

Allele frequency attached by ClinVar (database versions not stated): 1000 Genomes Project 0.00080; gnomAD 0.00008 and 0.00014; ExAC 0.00029; TOPMed 0.00030; 1000 Genomes Project 30x 0.00078.
gnomAD v4.1: 241 of 1,612,876 alleles (0.015%); highest among the groups gnomAD compares: East Asian, 0.52%; no homozygotes.

Submissions (4):

Labcorp Genetics (formerly Invitae), Labcorp
Classification: Likely benign. Last evaluated: 2025-12-09. Review status: criteria provided, single submitter. Criteria: Invitae Variant Classification Sherloc (09022015). Collection method: clinical testing. Allele origin: germline.

GeneDx
Classification: Likely benign. Last evaluated: 2021-04-13. Review status: criteria provided, single submitter. Criteria: GeneDx Variant Classification Process June 2021. Collection method: clinical testing. Allele origin: germline. Affected: yes.

Laboratory for Molecular Medicine, Mass General Brigham Personalized Medicine
Classification: Likely benign. Last evaluated: 2017-03-30. Review status: criteria provided, single submitter. Criteria: LMM Criteria. Collection method: clinical testing. Allele origin: germline. Observed: 1 variant allele.
Comment: p.Leu235Met in exon 5 of CHRM2: This variant is not expected to have clinical si gnificance because it has been identified in 0.43% (35/8206) of East Asian chrom osomes by the Exome Aggregation Consortium (ExAC ; dbSNP rs138886480).

Breakthrough Genomics
Classification: Likely benign. Review status: criteria provided, single submitter. Criteria: ACMG Guidelines, 2015. Collection method: not provided. Allele origin: germline. Inheritance: Unknown mechanism. Affected: yes.